The following is an entry in ClinVar:

ClinVar aggregate classification (germline): Uncertain significance (1 of 4 stars; one submission).

Conditions:
Primary ciliary dyskinesia. Also called: Ciliary dyskinesia. Identifiers: Orphanet 244, MedGen C0008780, MONDO:0016575, HP:0012265.

Submission:

Labcorp Genetics (formerly Invitae), Labcorp
Classification: Uncertain significance for Primary ciliary dyskinesia. Last evaluated: 2022-07-05. Review status: criteria provided, single submitter. Criteria: Invitae Variant Classification Sherloc (09022015). Collection method: clinical testing. Allele origin: germline.
Comment: ClinVar contains an entry for this variant (Variation ID: 242175). This variant has not been reported in the literature in individuals affected with CCDC39-related conditions. This variant is not present in population databases (gnomAD no frequency). This sequence change replaces arginine, which is basic and polar, with proline, which is neutral and non-polar, at codon 103 of the CCDC39 protein (p.Arg103Pro). Algorithms developed to predict the effect of missense changes on protein structure and function are either unavailable or do not agree on the potential impact of this missense change (SIFT: "Deleterious"; PolyPhen-2: "Possibly Damaging"; Align-GVGD: "Class C0"). In summary, the available evidence is currently insufficient to determine the role of this variant in disease. Therefore, it has been classified as a Variant of Uncertain Significance.

NM_181426.2(CCDC39):c.308G>C (p.Arg103Pro)

Gene: CCDC39 (coiled-coil domain 39 molecular ruler complex subunit; minus strand). Cytogenetic location: 3q26.33.
Variant type: single nucleotide variant.
Coding change: c.308G>C on transcript NM_181426.2 (MANE Select); coding-DNA position 308, G replaced by C.
Protein change: p.Arg103Pro; replaces arginine 103 with proline.
Molecular consequence: missense variant.
Genome position (GRCh38, 1-based): chr3:180,661,910, C>G on the plus strand (G>C on the coding strand, the complement: CCDC39 is on the minus strand). VCF-style: chr3-180661910-C-G. GRCh37 (hg19) VCF-style: chr3-180379698-C-G.
Other names: short protein forms R103P.
Identifiers: ClinVar variation 242175 (VCV000242175.9), dbSNP rs766541691, ClinGen allele CA10582142.